The following is an entry in ClinVar:

ClinVar aggregate classification (germline): Uncertain significance (1 of 4 stars; one submission).

Conditions:
Dilated cardiomyopathy 1Z (CMD1Z). Identifiers: Orphanet 154, MedGen C2678475, MONDO:0012745, OMIM 611879.
Hypertrophic cardiomyopathy 13. Also called: TNNC1-Related Familial Hypertrophic Cardiomyopathy. Identifiers: MedGen C2750472, MONDO:0013195, OMIM 613243.

Allele frequency attached by ClinVar (database versions not stated): gnomAD exomes below 0.00001; TOPMed below 0.00001; ExAC 0.00001.
gnomAD v4.1: 1 of 1,613,756 alleles (0.000062%); highest among the groups gnomAD compares: East Asian, 0.0022%; no homozygotes.

Submission:

Labcorp Genetics (formerly Invitae), Labcorp
Classification: Uncertain significance for Hypertrophic cardiomyopathy 13; Dilated cardiomyopathy 1Z. Last evaluated: 2024-10-18. Review status: criteria provided, single submitter. Criteria: Invitae Variant Classification Sherloc (09022015). Collection method: clinical testing. Allele origin: germline.
Comment: This sequence change falls in intron 3 of the TNNC1 gene. It does not directly change the encoded amino acid sequence of the TNNC1 protein. It affects a nucleotide within the consensus splice site. This variant is present in population databases (rs776392469, gnomAD 0.006%). This variant has not been reported in the literature in individuals affected with TNNC1-related conditions. ClinVar contains an entry for this variant (Variation ID: 968552). Variants that disrupt the consensus splice site are a relatively common cause of aberrant splicing (PMID: 17576681, 9536098). Algorithms developed to predict the effect of sequence changes on RNA splicing suggest that this variant is not likely to affect RNA splicing. In summary, the available evidence is currently insufficient to determine the role of this variant in disease. Therefore, it has been classified as a Variant of Uncertain Significance.

Literature cited by the submitters: PubMed 17576681; PubMed 9536098.

NM_003280.3(TNNC1):c.202+6C>T

Gene: TNNC1 (troponin C1, slow skeletal and cardiac type; minus strand). Cytogenetic location: 3p21.1.
Variant type: single nucleotide variant.
Coding change: c.202+6C>T on transcript NM_003280.3 (MANE Select); 6 bases into the intron after coding-DNA position 202, C replaced by T.
Molecular consequence: intron variant.
Genome position (GRCh38, 1-based): chr3:52,452,100, G>A on the plus strand (C>T on the coding strand, the complement: TNNC1 is on the minus strand). VCF-style: chr3-52452100-G-A. GRCh37 (hg19) VCF-style: chr3-52486116-G-A.
Identifiers: ClinVar variation 968552 (VCV000968552.5), dbSNP rs776392469, ClinGen allele CA2438572.
Genomic context (GRCh38, chr3:52,452,100, plus strand): 5'-CAGAGCCAGCATTCCAGCCCCCAGCCAGCTGGGGTTCTTCTGGAGCCTGGGGAGGAGGGG[G>A]CTCACCGTCCTCGTCCACCTCATCGATCATCTCCTGCAGCTCCTCAGGGGTGGGGTTCTG-3'